The following is an entry in ClinVar:

ClinVar aggregate classification (germline): Uncertain significance (1 of 4 stars; one submission).

Conditions:
3-methylglutaconic aciduria type 5. Also called: MGA, TYPE V; CARDIOMYOPATHY, DILATED, WITH ATAXIA; 3 alpha methylglutaconic aciduria type V; MGA 5. Identifiers: Orphanet 66634, MedGen C1857776, MONDO:0012435, OMIM 610198.

Submission:

Labcorp Genetics (formerly Invitae), Labcorp
Classification: Uncertain significance for 3-methylglutaconic aciduria type 5. Last evaluated: 2022-07-17. Review status: criteria provided, single submitter. Criteria: Invitae Variant Classification Sherloc (09022015). Collection method: clinical testing. Allele origin: germline.
Comment: In summary, the available evidence is currently insufficient to determine the role of this variant in disease. Therefore, it has been classified as a Variant of Uncertain Significance. Algorithms developed to predict the effect of missense changes on protein structure and function are either unavailable or do not agree on the potential impact of this missense change (SIFT: "Deleterious"; PolyPhen-2: "Benign"; Align-GVGD: "Class C35"). This variant has not been reported in the literature in individuals affected with DNAJC19-related conditions. This variant is not present in population databases (gnomAD no frequency). This sequence change replaces tyrosine, which is neutral and polar, with histidine, which is basic and polar, at codon 49 of the DNAJC19 protein (p.Tyr49His).

NM_145261.4(DNAJC19):c.145T>C (p.Tyr49His)

Gene: DNAJC19 (DnaJ heat shock protein family (Hsp40) member C19; minus strand). Cytogenetic location: 3q26.33.
Variant type: single nucleotide variant.
Coding change: c.145T>C on transcript NM_145261.4 (MANE Select); coding-DNA position 145, T replaced by C.
Protein change: p.Tyr49His; replaces tyrosine 49 with histidine.
Molecular consequence: missense variant. On other transcripts: non-coding transcript variant (2).
Genome position (GRCh38, 1-based): chr3:180,987,007, A>G on the plus strand (T>C on the coding strand, the complement: DNAJC19 is on the minus strand). VCF-style: chr3-180987007-A-G. GRCh37 (hg19) VCF-style: chr3-180704795-A-G.
Other names: c.70T>C, p.Tyr24His (NM_001190233.2); short protein forms Y24H, Y49H.
Identifiers: ClinVar variation 2189633 (VCV002189633.4), dbSNP rs2473930415, ClinGen allele CA355472543.